The following is an entry in ClinVar:

ClinVar aggregate classification (germline): Uncertain significance. Review status: criteria provided, multiple submitters, no conflicts (2 of 4 stars). 3 submissions from 3 submitters: Uncertain significance (3). Last evaluated 2025-07-22.

Conditions:
Inborn genetic diseases. Identifiers: MedGen C0950123, MeSH D030342.
Giant axonal neuropathy 1 (GAN1). Also called: GIANT AXONAL NEUROPATHY 1, AUTOSOMAL RECESSIVE; GAN-Related Neurodegeneration. Identifiers: Orphanet 643, MedGen C1850386, MONDO:0009749, OMIM 256850.

Allele frequency attached by ClinVar (database versions not stated): gnomAD exomes below 0.00001; gnomAD 0.00001 and 0.00002; TOPMed 0.00002.
gnomAD v4.1: 7 of 1,613,730 alleles (0.00043%); highest among the groups gnomAD compares: African/African-American, 0.0093%; no homozygotes.

Submissions (3):

GeneDx
Classification: Uncertain significance. Last evaluated: 2025-07-22. Review status: criteria provided, single submitter. Criteria: GeneDx Variant Classification Process June 2021. Collection method: clinical testing. Allele origin: germline. Affected: yes.
Comment: Not observed at significant frequency in large population cohorts (gnomAD); Missense variants in this gene are a common cause of disease and they are underrepresented in the general population; In silico analysis supports that this missense variant has a deleterious effect on protein structure/function; Has not been previously published as pathogenic or benign to our knowledge; This variant is associated with the following publications: (PMID: 27023907)

Labcorp Genetics (formerly Invitae), Labcorp
Classification: Uncertain significance for Giant axonal neuropathy 1. Last evaluated: 2021-04-29. Review status: criteria provided, single submitter. Criteria: Invitae Variant Classification Sherloc (09022015). Collection method: clinical testing. Allele origin: germline.
Comment: This variant has not been reported in the literature in individuals with GAN-related conditions. In summary, the available evidence is currently insufficient to determine the role of this variant in disease. Therefore, it has been classified as a Variant of Uncertain Significance. Algorithms developed to predict the effect of missense changes on protein structure and function are either unavailable or do not agree on the potential impact of this missense change (SIFT: "Tolerated"; PolyPhen-2: "Probably Damaging"; Align-GVGD: "Class C0"). This variant is not present in population databases (ExAC no frequency). This sequence change replaces glutamic acid with aspartic acid at codon 456 of the GAN protein (p.Glu456Asp). The glutamic acid residue is highly conserved and there is a small physicochemical difference between glutamic acid and aspartic acid.

Ambry Genetics
Classification: Uncertain significance for Inborn genetic diseases. Last evaluated: 2020-12-01. Review status: criteria provided, single submitter. Criteria: Ambry Variant Classification Scheme 2023. Collection method: clinical testing. Allele origin: germline.
Comment: The p.E456D variant (also known as c.1368G>C), located in coding exon 8 of the GAN gene, results from a G to C substitution at nucleotide position 1368. The glutamic acid at codon 456 is replaced by aspartic acid, an amino acid with highly similar properties. This amino acid position is highly conserved in available vertebrate species. In addition, the in silico prediction for this alteration is inconclusive. Since supporting evidence is limited at this time, the clinical significance of this alteration remains unclear.

NM_022041.4(GAN):c.1368G>C (p.Glu456Asp)

Gene: GAN (gigaxonin; plus strand). Cytogenetic location: 16q23.2.
Variant type: single nucleotide variant.
Coding change: c.1368G>C on transcript NM_022041.4 (MANE Select); coding-DNA position 1368, G replaced by C.
Protein change: p.Glu456Asp; replaces glutamic acid 456 with aspartic acid.
Molecular consequence: missense variant.
Genome position (GRCh38, 1-based): chr16:81,365,105, G>C. VCF-style: chr16-81365105-G-C. GRCh37 (hg19) VCF-style: chr16-81398710-G-C.
Other names: c.729G>C, p.Glu243Asp (NM_001377486.1); short protein forms E456D, E243D.
Identifiers: ClinVar variation 1395811 (VCV001395811.11), dbSNP rs1034754708, ClinGen allele CA284269728.